The following is an entry in ClinVar:

NM_015915.5(ATL1):c.656G>A (p.Trp219Ter)

Gene: ATL1 (atlastin GTPase 1; plus strand). Cytogenetic location: 14q22.1.
Variant type: single nucleotide variant.
Coding change: c.656G>A on transcript NM_015915.5 (MANE Select); coding-DNA position 656, G replaced by A.
Protein change: p.Trp219Ter; replaces tryptophan 219 with a stop codon.
Molecular consequence: nonsense.
Genome position (GRCh38, 1-based): chr14:50,613,284, G>A. VCF-style: chr14-50613284-G-A. GRCh37 (hg19) VCF-style: chr14-51080002-G-A.
Other names: c.656G>A, p.Trp219Ter (NM_001127713.1, NM_181598.4); short protein forms W219*.
Identifiers: ClinVar variation 2502886 (VCV002502886.1), dbSNP rs2504540656, ClinGen allele CA389670911.

ClinVar aggregate classification (germline): Likely pathogenic (1 of 4 stars; one submission).

Conditions:
Hereditary spastic paraplegia. Also called: Familial spastic paraparesis. Identifiers: Orphanet 685, MedGen C0037773, MONDO:0019064. Disease mechanism: loss of function.

Submission:

Center for Human Genetics and Genomic Medicine, Uniklinik Rwth Aachen
Classification: Likely pathogenic for Hereditary spastic paraplegia. Last evaluated: 2023-05-12. Review status: criteria provided, single submitter. Criteria: ACMG Guidelines, 2015. Collection method: clinical testing. Allele origin: germline. Inheritance: Autosomal recessive inheritance. Affected: yes. Observed: 1 homozygote.
Comment: The detected change is not reported in the general population (gnomAD) (as of May 12, 2023). It has not yet been described in the ClinVar database or in the literature. The variant leads to the incorporation of a stop codon. It is two amino acid positions further C-terminal than a homozygous nonsense variant already reported in the literature (Willkomm et al., 2016). Therefore, a pathogenetic relevance can be assumed with high probability, even if the underlying molecular mechanisms are still unclear. The variant is currently to be regarded as a "likely pathogenic variant" (ACMG criteria).